The following is an entry in ClinVar:

NM_000245.4(MET):c.86C>A (p.Ala29Glu)

Gene: MET (MET proto-oncogene, receptor tyrosine kinase; plus strand). Cytogenetic location: 7q31.2.
Variant type: single nucleotide variant.
Coding change: c.86C>A on transcript NM_000245.4 (MANE Select); coding-DNA position 86, C replaced by A.
Protein change: p.Ala29Glu; replaces alanine 29 with glutamic acid.
Molecular consequence: missense variant. On other transcripts: intron variant (1).
Genome position (GRCh38, 1-based): chr7:116,699,170, C>A. VCF-style: chr7-116699170-C-A. GRCh37 (hg19) VCF-style: chr7-116339224-C-A.
Other names: c.86C>A, p.Ala29Glu (NM_001127500.3, NM_001324401.3); c.-91+26593C>A (NM_001324402.2); short protein forms A29E.
Identifiers: ClinVar variation 3572200 (VCV003572200.3).

ClinVar aggregate classification (germline): Uncertain significance. Review status: criteria provided, multiple submitters, no conflicts (2 of 4 stars). 2 submissions from 2 submitters: Uncertain significance (2). Last evaluated 2024-06-19.

Conditions:
Renal cell carcinoma. Identifiers: Orphanet 217071, MedGen C0007134, MeSH D002292, MONDO:0005086, HP:0005584.

Submissions (2):

Quest Diagnostics Nichols Institute San Juan Capistrano
Classification: Uncertain significance. Last evaluated: 2024-06-19. Review status: criteria provided, single submitter. Criteria: Quest Diagnostics criteria. Collection method: clinical testing. Allele origin: unknown.
Comment: The MET c.86C>A (p.Ala29Glu) variant has not been reported in individuals with MET-related conditions in the published literature. It also has not been reported in large, multi-ethnic general populations (Genome Aggregation Database). Analysis of this variant using bioinformatics tools for the prediction of the effect of amino acid changes on protein structure and function yielded predictions that this variant is damaging. Based on the available information, we are unable to determine the clinical significance of this variant.

Labcorp Genetics (formerly Invitae), Labcorp
Classification: Uncertain significance for Renal cell carcinoma. Last evaluated: 2024-03-16. Review status: criteria provided, single submitter. Criteria: Invitae Variant Classification Sherloc (09022015). Collection method: clinical testing. Allele origin: germline.
Comment: This sequence change replaces alanine, which is neutral and non-polar, with glutamic acid, which is acidic and polar, at codon 29 of the MET protein (p.Ala29Glu). This variant is not present in population databases (gnomAD no frequency). This variant has not been reported in the literature in individuals affected with MET-related conditions. An algorithm developed to predict the effect of missense changes on protein structure and function (PolyPhen-2) suggests that this variant is likely to be disruptive. In summary, the available evidence is currently insufficient to determine the role of this variant in disease. Therefore, it has been classified as a Variant of Uncertain Significance.